The following is an entry in ClinVar:

ClinVar aggregate classification (germline): Uncertain significance (1 of 4 stars; one submission).

Submission:

Labcorp Genetics (formerly Invitae), Labcorp
Classification: Uncertain significance. Last evaluated: 2021-12-16. Review status: criteria provided, single submitter. Criteria: Invitae Variant Classification Sherloc (09022015). Collection method: clinical testing. Allele origin: germline.
Comment: This variant, c.3439_3441del, results in the deletion of 1 amino acid(s) of the MCM3AP protein (p.Gln1147del), but otherwise preserves the integrity of the reading frame. This variant is not present in population databases (gnomAD no frequency). This variant has not been reported in the literature in individuals affected with MCM3AP-related conditions. Experimental studies and prediction algorithms are not available or were not evaluated, and the functional significance of this variant is currently unknown. In summary, the available evidence is currently insufficient to determine the role of this variant in disease. Therefore, it has been classified as a Variant of Uncertain Significance.

NM_003906.5(MCM3AP):c.3439_3441del (p.Gln1147del)

Gene: MCM3AP (minichromosome maintenance complex component 3 associated protein; minus strand). Cytogenetic location: 21q22.3.
Variant type: Deletion.
Coding change: c.3439_3441del on transcript NM_003906.5 (MANE Select); coding-DNA positions 3439 to 3441, 3 bases deleted (CAG; older notation c.3439_3441delCAG).
Protein change: p.Gln1147del; deletes glutamine 1147.
Molecular consequence: inframe deletion.
Genome position (GRCh38, 1-based): chr21:46,261,306-46,261,308, CTG deleted on the plus strand (CAG on the coding strand, the reverse complement: MCM3AP is on the minus strand); deleting any 3 consecutive bases within chr21:46,261,306-46,261,310 gives the same sequence; the c. name uses the placement nearest the transcript's 3' end. VCF-style (leftmost placement, unchanged base first): chr21-46261305-CCTG-C. GRCh37 (hg19) VCF-style: chr21-47681219-CCTG-C.
Other names: short protein forms Q1147del.
Identifiers: ClinVar variation 2044304 (VCV002044304.4), dbSNP rs2517374995, ClinGen allele CA2580098953.